The following is an entry in ClinVar:

NM_000287.4(PEX6):c.1902T>C (p.Asp634=)

Gene: PEX6 (peroxisomal biogenesis factor 6; minus strand). Cytogenetic location: 6p21.1.
Variant type: single nucleotide variant.
Coding change: c.1902T>C on transcript NM_000287.4 (MANE Select); coding-DNA position 1902, T replaced by C.
Protein change: p.Asp634=; no amino-acid change (aspartic acid 634 retained).
Molecular consequence: synonymous variant. On other transcripts: non-coding transcript variant (1).
Genome position (GRCh38, 1-based): chr6:42,966,841, A>G on the plus strand (T>C on the coding strand, the complement: PEX6 is on the minus strand). VCF-style: chr6-42966841-A-G. GRCh37 (hg19) VCF-style: chr6-42934579-A-G.
Other names: c.1638T>C, p.Asp546= (NM_001316313.2); c.1902T>C (NM_000287.3).
Identifiers: ClinVar variation 1136179 (VCV001136179.10), dbSNP rs761653474, ClinGen allele CA3811182.
Genomic context (GRCh38, chr6:42,966,841, plus strand): 5'-CCCTGAGTTCTTGATCCTGGTGCAGGCTGCCCGGCTGCTGTGGGTCAGAAGGGCATAGAG[A>G]TCCCCTACCACAAAGCCCTAGGGAACCACAGGAAAGGACACATGAGCAGGGCACAGTAGG-3'
Protein context (NP_000278.3, residues 624-644): ARRCAGFVVG[Asp634=]LYALLTHSSR

ClinVar aggregate classification (germline): Likely benign. Review status: criteria provided, multiple submitters, no conflicts (2 of 4 stars). 2 submissions from 2 submitters: Likely benign (2). Last evaluated 2025-10-23.

Conditions:
PEX6-related disorder. Also called: PEX6-related condition; PEX6-related disorders.
Peroxisome biogenesis disorder. Identifiers: Orphanet 79189, MedGen C1832200, MONDO:0019234. Disease mechanism: loss of function.

Allele frequency attached by ClinVar (database versions not stated): gnomAD exomes below 0.00001 and 0.00001; TOPMed 0.00001; ExAC 0.00002.
gnomAD v4.1: 5 of 1,612,972 alleles (0.00031%); highest among the groups gnomAD compares: Non-Finnish European, 0.00034%; no homozygotes.

Submissions (2):

PreventionGenetics, part of Exact Sciences
Classification: Likely benign for PEX6-related condition. Last evaluated: 2025-10-23. Review status: criteria provided, single submitter. Criteria: ACMG Guidelines, 2015. Collection method: clinical testing. Allele origin: germline.
Comment: This variant is classified as likely benign based on ACMG/AMP sequence variant interpretation guidelines (Richards et al. 2015 PMID: 25741868, with internal and published modifications).

Labcorp Genetics (formerly Invitae), Labcorp
Classification: Likely benign for Peroxisome biogenesis disorder. Last evaluated: 2025-04-22. Review status: criteria provided, single submitter. Criteria: Invitae Variant Classification Sherloc (09022015). Collection method: clinical testing. Allele origin: germline.